The following is an entry in ClinVar:

ClinVar aggregate classification (germline): Uncertain significance (1 of 4 stars; one submission).

Conditions:
TUBB3-related disorder. Also called: TUBB3-related condition; TUBB3-related disorders.

Submission:

PreventionGenetics, part of Exact Sciences
Classification: Uncertain significance for TUBB3-related condition. Last evaluated: 2026-01-26. Review status: criteria provided, single submitter. Criteria: ACMG Guidelines, 2015. Collection method: clinical testing. Allele origin: germline.
Comment: The TUBB3 c.673C>A variant is predicted to result in the amino acid substitution p.Leu225Ile. To our knowledge, this variant has not been reported in the literature or in a large population database (gnomAD), indicating this variant is rare. At this time, the clinical significance of this variant is uncertain due to the absence of conclusive functional and genetic evidence.

NM_006086.4(TUBB3):c.673C>A (p.Leu225Ile)

Gene: TUBB3 (tubulin beta 3 class III; plus strand). Cytogenetic location: 16q24.3.
Variant type: single nucleotide variant.
Coding change: c.673C>A on transcript NM_006086.4 (MANE Select); coding-DNA position 673, C replaced by A.
Protein change: p.Leu225Ile; replaces leucine 225 with isoleucine.
Molecular consequence: missense variant.
Genome position (GRCh38, 1-based): chr16:89,935,124, C>A. VCF-style: chr16-89935124-C-A. GRCh37 (hg19) VCF-style: chr16-90001532-C-A.
Other names: c.457C>A, p.Leu153Ile (NM_001197181.2); short protein forms L153I, L225I.
Identifiers: ClinVar variation 4991703 (VCV004991703.1).